The following is an entry in ClinVar:

ClinVar aggregate classification (germline): Uncertain significance (1 of 4 stars; one submission).

Conditions:
Chédiak-Higashi syndrome (CHS). Also called: Chediak-Higashi Syndrome. Identifiers: Orphanet 167, MedGen C0007965, MONDO:0008963, OMIM 214500.

gnomAD v4.1: 2 of 1,614,042 alleles (0.00012%); highest among the groups gnomAD compares: African/African-American, 0.0013%; no homozygotes.

Submission:

Labcorp Genetics (formerly Invitae), Labcorp
Classification: Uncertain significance for Chédiak-Higashi syndrome. Last evaluated: 2025-02-25. Review status: criteria provided, single submitter. Criteria: Invitae Variant Classification Sherloc (09022015). Collection method: clinical testing. Allele origin: germline.
Comment: This sequence change replaces valine, which is neutral and non-polar, with isoleucine, which is neutral and non-polar, at codon 3717 of the LYST protein (p.Val3717Ile). This variant is not present in population databases (gnomAD no frequency). This variant has not been reported in the literature in individuals affected with LYST-related conditions. Invitae Evidence Modeling of protein sequence and biophysical properties (such as structural, functional, and spatial information, amino acid conservation, physicochemical variation, residue mobility, and thermodynamic stability) indicates that this missense variant is not expected to disrupt LYST protein function with a negative predictive value of 80%. In summary, the available evidence is currently insufficient to determine the role of this variant in disease. Therefore, it has been classified as a Variant of Uncertain Significance.

NM_000081.4(LYST):c.11149G>A (p.Val3717Ile)

Gene: LYST (lysosomal trafficking regulator; minus strand). Cytogenetic location: 1q42.3.
Variant type: single nucleotide variant.
Coding change: c.11149G>A on transcript NM_000081.4 (MANE Select); coding-DNA position 11149, G replaced by A.
Protein change: p.Val3717Ile; replaces valine 3717 with isoleucine.
Molecular consequence: missense variant.
Genome position (GRCh38, 1-based): chr1:235,664,511, C>T on the plus strand (G>A on the coding strand, the complement: LYST is on the minus strand). VCF-style: chr1-235664511-C-T. GRCh37 (hg19) VCF-style: chr1-235827811-C-T.
Other names: c.11149G>A, p.Val3717Ile (NM_001301365.1); short protein forms V3717I.
Identifiers: ClinVar variation 4777191 (VCV004777191.1).
Genomic context (GRCh38, chr1:235,664,511, plus strand): 5'-CAAATTCCTCTTACCTTACAATTCCATTTTCTAATCCCCCAGCGATTACATTGATAGATA[C>T]TCCCTCAGGCTGGTTGGAGAAAGCCACGGAACAGATGATCTCCCTGCAGTGGACATGTCC-3'
Protein context (NP_000072.2, residues 3707-3727): SVAFSNQPEG[Val3717Ile]SINVIAGGLE